The following is an entry in ClinVar:

ClinVar aggregate classification (germline): Conflicting classifications of pathogenicity. Review status: criteria provided, conflicting classifications (1 of 4 stars). 4 submissions from 4 submitters: Likely pathogenic (1); Uncertain significance (3). Last evaluated 2025-11-03.

Conditions:
Saldino-Mainzer syndrome (SRTD9). Also called: short-rib thoracic dysplasia 9 with or without polydactyly; Renal dysplasia, retinal pigmentary dystrophy, cerebellar ataxia and skeletal dysplasia; SHORT-RIB THORACIC DYSPLASIA 9 WITHOUT POLYDACTYLY; CONORENAL SYNDROME. Identifiers: Orphanet 140969, MedGen C1849437, MONDO:0009964, OMIM 266920.
Retinitis pigmentosa 80 (RP80). Identifiers: MedGen C4540439, MONDO:0054708, OMIM 617781.

Allele frequency attached by ClinVar (database versions not stated): gnomAD exomes 0.00006 and 0.00015; ExAC 0.00007; TOPMed 0.00010; gnomAD 0.00011 and 0.00013; ESP Exome Variant Server 0.00023.

Submissions (4):

Labcorp Genetics (formerly Invitae), Labcorp
Classification: Likely pathogenic for Saldino-Mainzer syndrome. Last evaluated: 2025-11-03. Review status: criteria provided, single submitter. Criteria: Invitae Variant Classification Sherloc (09022015). Collection method: clinical testing. Allele origin: germline.
Comment: This sequence change replaces valine, which is neutral and non-polar, with alanine, which is neutral and non-polar, at codon 43 of the IFT140 protein (p.Val43Ala). This variant is present in population databases (rs372148301, gnomAD 0.01%). This missense change has been observed in individual(s) with IFT140-related conditions (internal data). In at least one individual the data is consistent with being in trans (on the opposite chromosome) from a pathogenic variant. ClinVar contains an entry for this variant (Variation ID: 533865). Invitae Evidence Modeling of protein sequence and biophysical properties (such as structural, functional, and spatial information, amino acid conservation, physicochemical variation, residue mobility, and thermodynamic stability) has been performed for this missense variant. However, the output from this modeling did not meet the statistical confidence thresholds required to predict the impact of this variant on IFT140 protein function. In summary, the currently available evidence indicates that the variant is pathogenic, but additional data are needed to prove that conclusively. Therefore, this variant has been classified as Likely Pathogenic.

Blueprint Genetics
Classification: Uncertain significance. Last evaluated: 2024-01-17. Review status: criteria provided, single submitter. Criteria: ACMG Guidelines, 2015. Collection method: clinical testing. Allele origin: germline.

Fulgent Genetics
Classification: Uncertain significance for Saldino-Mainzer syndrome; Retinitis pigmentosa 80. Last evaluated: 2024-01-05. Review status: criteria provided, single submitter. Criteria: ACMG Guidelines, 2015. Collection method: clinical testing. Allele origin: germline.

Breakthrough Genomics
Classification: Uncertain significance. Review status: criteria provided, single submitter. Criteria: ACMG Guidelines, 2015. Collection method: not provided. Allele origin: germline. Inheritance: Autosomal recessive inheritance. Affected: yes.

NM_014714.4(IFT140):c.128T>C (p.Val43Ala)

Genes: IFT140 (intraflagellar transport 140; minus strand), LOC105371046 (uncharacterized LOC105371046; plus strand). Cytogenetic location: 16p13.3.
Variant type: single nucleotide variant.
Coding change: c.128T>C on transcript NM_014714.4 (MANE Select); coding-DNA position 128, T replaced by C.
Protein change: p.Val43Ala; replaces valine 43 with alanine.
Molecular consequence: missense variant.
Genome position (GRCh38, 1-based): chr16:1,607,139, A>G on the plus strand (T>C on the coding strand, the complement: IFT140 is on the minus strand). VCF-style: chr16-1607139-A-G. GRCh37 (hg19) VCF-style: chr16-1657140-A-G.
Other names: short protein forms V43A.
Identifiers: ClinVar variation 533865 (VCV000533865.9), dbSNP rs372148301, ClinGen allele CA7814826.